The following is an entry in ClinVar:

ClinVar aggregate classification (germline): Uncertain significance (1 of 4 stars; one submission).

Conditions:
Neuropathy, hereditary motor and sensory, type 6B (HMSN6B). Also called: HMSN VIB; CHARCOT-MARIE-TOOTH DISEASE, TYPE 6B; NEUROPATHY, HEREDITARY MOTOR AND SENSORY, TYPE VIB, WITH OPTIC ATROPHY; Neuropathy, hereditary motor and sensory, type VIB. Identifiers: MedGen C4225302, MONDO:0014671, OMIM 616505.

Allele frequency attached by ClinVar (database versions not stated): gnomAD exomes below 0.00001; TOPMed 0.00003; ExAC 0.00005; gnomAD 0.00006; 1000 Genomes Project 30x 0.00016; 1000 Genomes Project 0.00020.

Submission:

Labcorp Genetics (formerly Invitae), Labcorp
Classification: Uncertain significance for Neuropathy, hereditary motor and sensory, type 6B. Last evaluated: 2022-05-25. Review status: criteria provided, single submitter. Criteria: Invitae Variant Classification Sherloc (09022015). Collection method: clinical testing. Allele origin: germline.
Comment: In summary, the available evidence is currently insufficient to determine the role of this variant in disease. Therefore, it has been classified as a Variant of Uncertain Significance. Algorithms developed to predict the effect of missense changes on protein structure and function output the following: SIFT: "Tolerated"; PolyPhen-2: "Benign"; Align-GVGD: "Class C0". The lysine amino acid residue is found in multiple mammalian species, which suggests that this missense change does not adversely affect protein function. This variant has not been reported in the literature in individuals affected with SLC25A46-related conditions. The frequency data for this variant in the population databases is considered unreliable, as metrics indicate poor data quality at this position in the gnomAD database. This sequence change replaces arginine, which is basic and polar, with lysine, which is basic and polar, at codon 31 of the SLC25A46 protein (p.Arg31Lys).

NM_138773.4(SLC25A46):c.92G>A (p.Arg31Lys)

Gene: SLC25A46 (solute carrier family 25 member 46; plus strand). Cytogenetic location: 5q22.1.
Variant type: single nucleotide variant.
Coding change: c.92G>A on transcript NM_138773.4 (MANE Select); coding-DNA position 92, G replaced by A.
Protein change: p.Arg31Lys; replaces arginine 31 with lysine.
Molecular consequence: missense variant. On other transcripts: non-coding transcript variant (1), intron variant (1).
Genome position (GRCh38, 1-based): chr5:110,739,211, G>A. VCF-style: chr5-110739211-G-A. GRCh37 (hg19) VCF-style: chr5-110074912-G-A.
Other names: c.92G>A, p.Arg31Lys (NM_001303249.3); c.10+964G>A (NM_001303250.3); short protein forms R31K.
Identifiers: ClinVar variation 2080518 (VCV002080518.2), dbSNP rs532755024, ClinGen allele CA3364468.